The following is an entry in ClinVar:

ClinVar aggregate classification (germline): Uncertain significance (1 of 4 stars; one submission).

Conditions:
Hereditary cancer-predisposing syndrome. Also called: Tumor predisposition; Hereditary neoplastic syndrome; Neoplastic Syndromes, Hereditary; Hereditary Cancer Syndrome. Identifiers: Orphanet 140162, MedGen C0027672, MeSH D009386, MONDO:0015356.

Submission:

Ambry Genetics
Classification: Uncertain significance for Hereditary cancer-predisposing syndrome. Last evaluated: 2026-02-09. Review status: criteria provided, single submitter. Criteria: Ambry Variant Classification Scheme 2023. Collection method: clinical testing. Allele origin: germline.
Comment: The c.5496+5G>T intronic variant results from a G to T substitution 5 nucleotides after coding exon 35 in the ATM gene. This nucleotide position is highly conserved in available vertebrate species. In silico splice site analysis predicts that this alteration will weaken the native splice donor site. Based on the available evidence, the clinical significance of this variant remains unclear.

NM_000051.4(ATM):c.5496+5G>T

Gene: ATM (ATM serine/threonine kinase; plus strand). Cytogenetic location: 11q22.3.
Variant type: single nucleotide variant.
Coding change: c.5496+5G>T on transcript NM_000051.4 (MANE Select); 5 bases into the intron after coding-DNA position 5496, G replaced by T.
Molecular consequence: intron variant.
Genome position (GRCh38, 1-based): chr11:108,303,034, G>T. VCF-style: chr11-108303034-G-T. GRCh37 (hg19) VCF-style: chr11-108173761-G-T.
Other names: c.5496+5G>T (NM_001351834.2).
Identifiers: ClinVar variation 186119 (VCV000186119.4), dbSNP rs786202708, ClinGen allele CA193910.